The following is an entry in ClinVar:

ClinVar aggregate classification (germline): Pathogenic (1 of 4 stars; one submission).

Conditions:
Cerebral creatine deficiency syndrome. Also called: Creatine deficiency syndromes. Identifiers: Orphanet 79172, MedGen C5244016, MONDO:0000456.

Submission:

Labcorp Genetics (formerly Invitae), Labcorp
Classification: Pathogenic for Cerebral creatine deficiency syndrome. Last evaluated: 2022-01-28. Review status: criteria provided, single submitter. Criteria: Invitae Variant Classification Sherloc (09022015). Collection method: clinical testing. Allele origin: germline.
Comment: For these reasons, this variant has been classified as Pathogenic. This variant has not been reported in the literature in individuals affected with GAMT-related conditions. This variant is not present in population databases (gnomAD no frequency). This sequence change creates a premature translational stop signal (p.Leu124Cysfs*37) in the GAMT gene. It is expected to result in an absent or disrupted protein product. Loss-of-function variants in GAMT are known to be pathogenic (PMID: 15108290).

Literature cited by the submitters: PubMed 15108290.

NM_000156.6(GAMT):c.370del (p.Leu124fs)

Gene: GAMT (guanidinoacetate N-methyltransferase; minus strand). Cytogenetic location: 19p13.3.
Variant type: Deletion.
Coding change: c.370del on transcript NM_000156.6 (MANE Select); coding-DNA position 370, one base deleted (C; older notation c.370delC).
Protein change: p.Leu124fs; shifts the reading frame from leucine 124.
Molecular consequence: frameshift variant.
Genome position (GRCh38, 1-based): chr19:1,399,545, G deleted on the plus strand (C on the coding strand, the reverse complement: GAMT is on the minus strand); the first of 3 consecutive G bases (chr19:1,399,545-1,399,547); deleting any one gives the same sequence. VCF-style (leftmost placement, unchanged base first): chr19-1399544-AG-A. GRCh37 (hg19) VCF-style: chr19-1399543-AG-A.
Other names: c.370del, p.Leu124fs (NM_138924.3); short protein forms L124fs.
Identifiers: ClinVar variation 2084043 (VCV002084043.4), dbSNP rs2082620820, ClinGen allele CA2317699329.